The following is an entry in ClinVar:

ClinVar aggregate classification (germline): Pathogenic. Review status: reviewed by expert panel (3 of 4 stars). 6 submissions from 6 submitters: Pathogenic (1). 5 of the submissions do not count toward it. Last evaluated 2024-08-07.

Conditions:
Centronuclear myopathy (CNM). Also called: Centronuclear myopathy, congenital; Myotubular myopathy. Identifiers: Orphanet 595, MedGen C0175709, MONDO:0018947. Inheritance: All.
Severe X-linked myotubular myopathy (CNMX). Also called: Myotubular myopathy, X-linked; MYOTUBULAR MYOPATHY 1; X-linked centronuclear myopathy. Identifiers: Orphanet 596, MedGen C0410203, MONDO:0010683, OMIM 310400.

Submissions (6):

ClinGen Congenital Myopathies Variant Curation Expert Panel, ClinGen
Classification: Pathogenic for Centronuclear myopathy. Last evaluated: 2024-08-07. Review status: reviewed by expert panel. Criteria: ClinGen CongenMyopathy ACMG Specifications MTM1 V1.0.0. Collection method: curation. Allele origin: germline. Inheritance: X-linked inheritance.
Comment: The c.205C>T (NM_000252.3(MTM1):c.205C>T (p.Arg69Cys)) variant in MTM1 is a missense variant predicted to cause substitution of Arg by Cys at amino acid 69. The variant was found in at least 3 probands from three families with X-linked centronuclear myopathy (PS4_Moderate; PMIDs: 9285787, 15811014). The variant has been reported to segregate with X-linked centronuclear myopathy in 6 affected individuals from one family (PP1_strong; PMID: 15811014). The variant specific model in mice showed muscle weakness and low myotubularin protein concentrations, indicating that this variant impacts protein function (PS3; PMID: 22068590; Pierson et al., 2012). The computational predictor REVEL gives a score of 0.825, which is above the threshold of 0.7, set by the Congenital Myopathies VCEP, evidence that correlates with impact to MTM1 function (PP3). This variant is absent from gnomAD v4.1.0 (PM2_Supporting). In summary, this variant meets the criteria to be classified as pathogenic for x-linked centronuclear myopathy based on the ACMG/AMP criteria applied, as specified by the ClinGen Congenital Myopathies VCEP: (PS4_Moderate, PP1_Strong, PS3, PP3, PM2_Supporting; Version 1, 8/7/2024).

GeneDx
Classification: Pathogenic. Last evaluated: 2023-04-28. Review status: criteria provided, single submitter. Criteria: GeneDx Variant Classification Process June 2021. Collection method: clinical testing. Allele origin: germline. Affected: yes. Not counted in ClinVar's aggregate classification.
Comment: Published functional studies demonstrate a damaging effect (Pierson et al., 2012); Not observed at significant frequency in large population cohorts (gnomAD); In silico analysis supports that this missense variant has a deleterious effect on protein structure/function; This variant is associated with the following publications: (PMID: 24726641, 25197964, 33164942, 15811014, 26823526, 34011573, 9285787, 30902907, 9305655, 22068590)

Labcorp Genetics (formerly Invitae), Labcorp
Classification: Pathogenic for Severe X-linked myotubular myopathy. Last evaluated: 2020-12-30. Review status: criteria provided, single submitter. Criteria: Invitae Variant Classification Sherloc (09022015). Collection method: clinical testing. Allele origin: germline. Not counted in ClinVar's aggregate classification.
Comment: This variant is not present in population databases (ExAC no frequency). This sequence change replaces arginine with cysteine at codon 69 of the MTM1 protein (p.Arg69Cys). The arginine residue is moderately conserved and there is a large physicochemical difference between arginine and cysteine. This variant has been observed in individual(s) with centronuclear myopathy (PMID: 9285787, 15811014). ClinVar contains an entry for this variant (Variation ID: 11055). For these reasons, this variant has been classified as Pathogenic. Experimental studies have shown that this variant disrupts mRNA splicing and is expected to lead to the loss of protein expression (PMID: 22068590). Experimental studies have shown that this variant affects MTM1 protein function (PMID: 22068590).

Genetic Services Laboratory, University of Chicago
Classification: Pathogenic for Myotubular myopathy, X-linked. Last evaluated: 2013-02-08. Review status: criteria provided, single submitter. Criteria: ACMG Guidelines, 2007. Collection method: clinical testing. Allele origin: germline. Inheritance: X-linked inheritance. Affected: yes. Not counted in ClinVar's aggregate classification.

Clinical Molecular Genetics Laboratory, Johns Hopkins All Children's Hospital
Classification: Pathogenic for Severe X-linked myotubular myopathy. Last evaluated: 2009-09-08. Review status: no assertion criteria provided. Collection method: clinical testing. Allele origin: germline. Affected: yes. Not counted in ClinVar's aggregate classification.

OMIM
Classification: Pathogenic for MYOTUBULAR MYOPATHY, X-LINKED. Last evaluated: 1997-09-01. Review status: no assertion criteria provided. Collection method: literature only. Allele origin: germline. Not counted in ClinVar's aggregate classification.

Literature cited by the submitters: PubMed 22068590 (cited by ClinGen Congenital Myopathies Variant Curation Expert Panel, ClinGen and Labcorp Genetics (formerly Invitae), Labcorp); PubMed 9285787 (cited by Labcorp Genetics (formerly Invitae), Labcorp and OMIM); PubMed 15811014 (cited by Labcorp Genetics (formerly Invitae), Labcorp); PubMed 9305655 (cited by OMIM).

NM_000252.3(MTM1):c.205C>T (p.Arg69Cys)

Gene: MTM1 (myotubularin 1; plus strand). Cytogenetic location: Xq28.
Variant type: single nucleotide variant.
Coding change: c.205C>T on transcript NM_000252.3 (MANE Select); coding-DNA position 205, C replaced by T.
Protein change: p.Arg69Cys; replaces arginine 69 with cysteine.
Molecular consequence: missense variant.
Genome position (GRCh38, 1-based): chrX:150,598,660, C>T. VCF-style: chrX-150598660-C-T. GRCh37 (hg19) VCF-style: chrX-149767124-C-T.
Other names: NM_000252.3(MTM1):c.205C>T; c.205C>T, p.Arg69Cys (NM_001376906.1, NM_001376907.1, NM_001376908.1); short protein forms R69C.
Identifiers: ClinVar variation 11055 (VCV000011055.18), dbSNP rs132630304, ClinGen allele CA255665.